The following is an entry in ClinVar:

ClinVar aggregate classification (germline): Uncertain significance (1 of 4 stars; one submission).

Conditions:
Developmental and epileptic encephalopathy 94 (DEE94). Also called: CHD2-Related Neurodevelopmental Disorders; Epileptic encephalopathy, childhood-onset. Identifiers: Orphanet 1942, Orphanet 2382, MedGen C3809278, MONDO:0014150, OMIM 615369.

Submission:

Labcorp Genetics (formerly Invitae), Labcorp
Classification: Uncertain significance for Developmental and epileptic encephalopathy 94. Last evaluated: 2024-05-23. Review status: criteria provided, single submitter. Criteria: Invitae Variant Classification Sherloc (09022015). Collection method: clinical testing. Allele origin: germline.
Comment: This sequence change replaces lysine, which is basic and polar, with glutamic acid, which is acidic and polar, at codon 176 of the CHD2 protein (p.Lys176Glu). This variant is not present in population databases (gnomAD no frequency). This variant has not been reported in the literature in individuals affected with CHD2-related conditions. Advanced modeling of protein sequence and biophysical properties (such as structural, functional, and spatial information, amino acid conservation, physicochemical variation, residue mobility, and thermodynamic stability) performed at Invitae indicates that this missense variant is not expected to disrupt CHD2 protein function with a negative predictive value of 95%. In summary, the available evidence is currently insufficient to determine the role of this variant in disease. Therefore, it has been classified as a Variant of Uncertain Significance.

NM_001271.4(CHD2):c.526A>G (p.Lys176Glu)

Gene: CHD2 (chromodomain helicase DNA binding protein 2; plus strand). Cytogenetic location: 15q26.1.
Variant type: single nucleotide variant.
Coding change: c.526A>G on transcript NM_001271.4 (MANE Select); coding-DNA position 526, A replaced by G.
Protein change: p.Lys176Glu; replaces lysine 176 with glutamic acid.
Molecular consequence: missense variant.
Genome position (GRCh38, 1-based): chr15:92,937,600, A>G. VCF-style: chr15-92937600-A-G. GRCh37 (hg19) VCF-style: chr15-93480830-A-G.
Other names: c.526A>G, p.Lys176Glu (NM_001042572.3); short protein forms K176E.
Identifiers: ClinVar variation 3623308 (VCV003623308.2).